The following is an entry in ClinVar:

NM_000949.7(PRLR):c.1410G>A (p.Glu470=)

Gene: PRLR (prolactin receptor; minus strand). Cytogenetic location: 5p13.2.
Variant type: single nucleotide variant.
Coding change: c.1410G>A on transcript NM_000949.7 (MANE Select); coding-DNA position 1410, G replaced by A.
Protein change: p.Glu470=; no amino-acid change (glutamic acid 470 retained).
Molecular consequence: synonymous variant. On other transcripts: intron variant (4).
Genome position (GRCh38, 1-based): chr5:35,065,548, C>T on the plus strand (G>A on the coding strand, the complement: PRLR is on the minus strand). VCF-style: chr5-35065548-C-T. GRCh37 (hg19) VCF-style: chr5-35065650-C-T.
Other names: c.1107G>A, p.Glu369= (NM_001204314.2); c.685+4576G>A (NM_001204318.1); c.855+2668G>A (NM_001204317.1); c.1009+401G>A (NM_001204316.1); c.1010-172G>A (NM_001204315.1).
Identifiers: ClinVar variation 781625 (VCV000781625.7), dbSNP rs62355478, ClinGen allele CA3229653.

ClinVar aggregate classification (germline): Benign. Review status: criteria provided, multiple submitters, no conflicts (2 of 4 stars). 3 submissions from 3 submitters: Benign (2). 1 of the submissions does not count toward it. Last evaluated 2019-12-31.

Conditions:
PRLR-related disorder. Also called: PRLR-related condition.

Allele frequency attached by ClinVar (database versions not stated): 1000 Genomes Project 0.00180; ESP Exome Variant Server 0.00500; 1000 Genomes Project 30x 0.00141; gnomAD 0.00379 and 0.00389; TOPMed 0.00368.
gnomAD v4.1: 8,733 of 1,614,136 alleles (0.54%); highest among the groups gnomAD compares: Non-Finnish European, 0.65%; 39 homozygotes.

Submissions (3):

Labcorp Genetics (formerly Invitae), Labcorp
Classification: Benign. Last evaluated: 2019-12-31. Review status: criteria provided, single submitter. Criteria: Invitae Variant Classification Sherloc (09022015). Collection method: clinical testing. Allele origin: germline.

Breakthrough Genomics
Classification: Benign. Review status: criteria provided, single submitter. Criteria: ACMG Guidelines, 2015. Collection method: not provided. Allele origin: germline. Inheritance: Autosomal recessive inheritance. Affected: yes.

PreventionGenetics, part of Exact Sciences
Classification: Benign for PRLR-related condition. Last evaluated: 2019-07-17. Review status: no assertion criteria provided. Collection method: clinical testing. Allele origin: germline. Not counted in ClinVar's aggregate classification.
Comment: This variant is classified as benign based on ACMG/AMP sequence variant interpretation guidelines (Richards et al. 2015 PMID: 25741868, with internal and published modifications).